The following is an entry in ClinVar:

ClinVar aggregate classification (germline): Uncertain significance. Review status: criteria provided, multiple submitters, no conflicts (2 of 4 stars). 2 submissions from 2 submitters: Uncertain significance (2). Last evaluated 2025-07-18.

Allele frequency attached by ClinVar (database versions not stated): ExAC 0.00002; 1000 Genomes Project 30x 0.00016; 1000 Genomes Project 0.00020; gnomAD exomes 0.00002; TOPMed 0.00008; gnomAD 0.00005.
gnomAD v4.1: 38 of 1,614,106 alleles (0.0024%); highest among the groups gnomAD compares: Middle Eastern, 0.016%; no homozygotes.

Submissions (2):

Labcorp Genetics (formerly Invitae), Labcorp
Classification: Uncertain significance. Last evaluated: 2025-07-18. Review status: criteria provided, single submitter. Criteria: Invitae Variant Classification Sherloc (09022015). Collection method: clinical testing. Allele origin: germline.
Comment: This sequence change replaces arginine, which is basic and polar, with histidine, which is basic and polar, at codon 447 of the CPOX protein (p.Arg447His). This variant is present in population databases (rs200810233, gnomAD 0.03%). This variant has not been reported in the literature in individuals affected with CPOX-related conditions. ClinVar contains an entry for this variant (Variation ID: 2961116). Invitae Evidence Modeling of protein sequence and biophysical properties (such as structural, functional, and spatial information, amino acid conservation, physicochemical variation, residue mobility, and thermodynamic stability) indicates that this missense variant is not expected to disrupt CPOX protein function with a negative predictive value of 80%. In summary, the available evidence is currently insufficient to determine the role of this variant in disease. Therefore, it has been classified as a Variant of Uncertain Significance.

Women's Health and Genetics/Laboratory Corporation of America, LabCorp
Classification: Uncertain significance. Last evaluated: 2025-01-09. Review status: criteria provided, single submitter. Criteria: LabCorp Variant Classification Summary - May 2015. Collection method: clinical testing. Allele origin: germline.
Comment: Variant summary: CPOX c.1340G>A (p.Arg447His) results in a non-conservative amino acid change in the encoded protein sequence. Three of four in-silico tools predict a damaging effect of the variant on protein function. The variant allele was found at a frequency of 4e-05 in 250474 control chromosomes. This frequency is not significantly higher than estimated for a pathogenic variant in CPOX causing Harderoporphyria, allowing no conclusion about variant significance. To our knowledge, no occurrence of c.1340G>A in individuals affected with Harderoporphyria and no experimental evidence demonstrating its impact on protein function have been reported. ClinVar contains an entry for this variant (Variation ID: 2961116). Based on the evidence outlined above, the variant was classified as uncertain significance.

NM_000097.7(CPOX):c.1340G>A (p.Arg447His)

Gene: CPOX (coproporphyrinogen oxidase; minus strand). Cytogenetic location: 3q11.2.
Variant type: single nucleotide variant.
Coding change: c.1340G>A on transcript NM_000097.7 (MANE Select); coding-DNA position 1340, G replaced by A.
Protein change: p.Arg447His; replaces arginine 447 with histidine.
Molecular consequence: missense variant.
Genome position (GRCh38, 1-based): chr3:98,580,708, C>T on the plus strand (G>A on the coding strand, the complement: CPOX is on the minus strand). VCF-style: chr3-98580708-C-T. GRCh37 (hg19) VCF-style: chr3-98299552-C-T.
Other names: short protein forms R447H.
Identifiers: ClinVar variation 2961116 (VCV002961116.5), dbSNP rs200810233, ClinGen allele CA2511442.
Genomic context (GRCh38, chr3:98,580,708, plus strand): 5'-GCCCTCCAAACCCCTGCACAGCCATTCTGCCTGCATCAACGCACCCAGTCCCTTGGATGG[C>T]GTAGAACTTCCAGAATTTCAGCTTCTTTGGAATTCTCTGAGGGTGAATGCATGTACTCCC-3'
Protein context (NP_000088.3, residues 437-454): SKEAEILEVL[Arg447His]HPRDWVR